The following is an entry in ClinVar:

ClinVar aggregate classification (germline): Benign/Likely benign. Review status: criteria provided, multiple submitters, no conflicts (2 of 4 stars). 3 submissions from 3 submitters: Benign (1); Likely benign (2). Last evaluated 2026-09-01.

Conditions:
Hereditary cancer-predisposing syndrome. Also called: Tumor predisposition; Hereditary Cancer Syndrome; Neoplastic Syndromes, Hereditary; Hereditary neoplastic syndrome. Identifiers: Orphanet 140162, MedGen C0027672, MeSH D009386, MONDO:0015356.

Allele frequency attached by ClinVar (database versions not stated): gnomAD exomes 0.00117; 1000 Genomes Project 0.00200; gnomAD 0.00200 and 0.00213; 1000 Genomes Project 30x 0.00203; TOPMed 0.00243.

Submissions (3):

CeGaT Center for Human Genetics Tuebingen
Classification: Likely benign. Last evaluated: 2026-09-01. Review status: criteria provided, single submitter. Criteria: CeGaT Center For Human Genetics Tuebingen Variant Classification Criteria Version 2. Collection method: clinical testing. Allele origin: germline. Affected: yes. Observed: 7 variant alleles.
Comment: BRCA1: BS1

Sema4
Classification: Benign for Hereditary cancer-predisposing syndrome. Last evaluated: 2020-10-22. Review status: criteria provided, single submitter. Criteria: Sema4 Curation Guidelines. Collection method: curation. Allele origin: germline.

GeneDx
Classification: Likely benign. Last evaluated: 2020-10-16. Review status: criteria provided, single submitter. Criteria: GeneDx Variant Classification Process June 2021. Collection method: clinical testing. Allele origin: germline. Affected: yes.
Comment: See Variant Classification Assertion Criteria.

NM_007294.4(BRCA1):c.81-3625del

Gene: BRCA1 (BRCA1 DNA repair associated; minus strand). Cytogenetic location: 17q21.31.
Variant type: Deletion.
Coding change: c.81-3625del on transcript NM_007294.4 (MANE Select); 3625 bases into the intron before coding-DNA position 81, one base deleted (C; older notation c.81-3625delC).
Molecular consequence: intron variant.
Genome position (GRCh38, 1-based): chr17:43,119,404, G deleted on the plus strand (C on the coding strand, the reverse complement: BRCA1 is on the minus strand). VCF-style (leftmost placement, unchanged base first): chr17-43119403-TG-T. GRCh37 (hg19) VCF-style: chr17-41271420-TG-T.
Other names: c.-61-3625del (NM_001408458.1, NM_001408470.1, NM_001407848.1 and 16 more transcripts); c.-219+5873del (NM_001407967.1); c.-170+5873del (NM_001407959.1); c.-8+5873del (NM_001407931.1, NM_001407747.1); c.-223-3625del (NM_001407962.1, NM_001408512.1, NM_001408510.1 and 1 more transcripts); c.-108-3625del (NM_001407885.1, NM_001407886.1, NM_001408509.1 and 48 more transcripts); c.-177-3625del (NM_001407746.1, NM_001408468.1, NM_001407842.1 and 12 more transcripts); c.-8+4613del (NM_001408461.1, NM_001407738.1, NM_001407932.1 and 23 more transcripts); and 16 more.
Identifiers: ClinVar variation 1678798 (VCV001678798.31), dbSNP rs373185847, ClinGen allele CA290824593.
Genomic context (GRCh38, chr17:43,119,403, plus strand): 5'-ATACAACTCTTGTAATCATGGGGTTTTTGACATAGCACAGGGCAGTGAAAAGAAAAACAA[TG>T]AACTAAGTCAGGAGGCTGGGTTTCTACTACCAGTTGTGTATATAAGCAGAGCCACCTTGG-3'